The following is an entry in ClinVar:

NM_000179.3(MSH6):c.3796C>G (p.His1266Asp)

Gene: MSH6 (mutS homolog 6; plus strand). Cytogenetic location: 2p16.3.
Variant type: single nucleotide variant.
Coding change: c.3796C>G on transcript NM_000179.3 (MANE Select); coding-DNA position 3796, C replaced by G.
Protein change: p.His1266Asp; replaces histidine 1266 with aspartic acid.
Molecular consequence: missense variant.
Genome position (GRCh38, 1-based): chr2:47,806,353, C>G. VCF-style: chr2-47806353-C-G. GRCh37 (hg19) VCF-style: chr2-48033492-C-G.
Other names: c.3406C>G, p.His1136Asp (NM_001281492.2); c.2890C>G, p.His964Asp (NM_001281493.2, NM_001281494.2); short protein forms H1136D, H1266D, H964D.
Identifiers: ClinVar variation 1025468 (VCV001025468.12), dbSNP rs972387746, ClinGen allele CA346761188.

ClinVar aggregate classification (germline): Uncertain significance. Review status: criteria provided, multiple submitters, no conflicts (2 of 4 stars). 2 submissions from 2 submitters: Uncertain significance (2). Last evaluated 2024-11-12.

Conditions:
Hereditary cancer-predisposing syndrome. Also called: Neoplastic Syndromes, Hereditary; Tumor predisposition; Hereditary Cancer Syndrome; Hereditary neoplastic syndrome. Identifiers: Orphanet 140162, MedGen C0027672, MeSH D009386, MONDO:0015356.
Hereditary nonpolyposis colorectal neoplasms. Identifiers: MedGen C0009405, MeSH D003123.

gnomAD v4.1: 2 of 1,614,090 alleles (0.00012%); highest among the groups gnomAD compares: Non-Finnish European, 0.00017%; no homozygotes.

Submissions (2):

Ambry Genetics
Classification: Uncertain significance for Hereditary cancer-predisposing syndrome. Last evaluated: 2024-11-12. Review status: criteria provided, single submitter. Criteria: Ambry Variant Classification Scheme 2023. Collection method: clinical testing. Allele origin: germline.
Comment: The p.H1266D variant (also known as c.3796C>G), located in coding exon 8 of the MSH6 gene, results from a C to G substitution at nucleotide position 3796. The histidine at codon 1266 is replaced by aspartic acid, an amino acid with similar properties. This variant was reported in 1/60,466 breast cancer cases and in 0/53,461 controls (Dorling et al. N Engl J Med. 2021 02;384:428-439). This amino acid position is highly conserved in available vertebrate species. In addition, this alteration is predicted to be deleterious by in silico analysis. Based on the available evidence, the clinical significance of this variant remains unclear.

Labcorp Genetics (formerly Invitae), Labcorp
Classification: Uncertain significance for Hereditary nonpolyposis colorectal neoplasms. Last evaluated: 2024-10-19. Review status: criteria provided, single submitter. Criteria: Invitae Variant Classification Sherloc (09022015). Collection method: clinical testing. Allele origin: germline.
Comment: This sequence change replaces histidine, which is basic and polar, with aspartic acid, which is acidic and polar, at codon 1266 of the MSH6 protein (p.His1266Asp). This variant is not present in population databases (gnomAD no frequency). This variant has not been reported in the literature in individuals affected with MSH6-related conditions. ClinVar contains an entry for this variant (Variation ID: 1025468). Invitae Evidence Modeling of protein sequence and biophysical properties (such as structural, functional, and spatial information, amino acid conservation, physicochemical variation, residue mobility, and thermodynamic stability) indicates that this missense variant is expected to disrupt MSH6 protein function with a positive predictive value of 95%. In summary, the available evidence is currently insufficient to determine the role of this variant in disease. Therefore, it has been classified as a Variant of Uncertain Significance.

Literature cited by the submitters: PubMed 33471991 (cited by Ambry Genetics).